The following is an entry in ClinVar:

NM_001371333.1(DIABLO):c.710G>C (p.Arg237Pro)

Genes: B3GNT4 (UDP-GlcNAc:betaGal beta-1,3-N-acetylglucosaminyltransferase 4; plus strand), DIABLO (diablo IAP-binding mitochondrial protein; minus strand). Cytogenetic location: 12q24.31.
Variant type: single nucleotide variant.
Coding change: c.710G>C on transcript NM_001371333.1 (MANE Select); coding-DNA position 710, G replaced by C.
Protein change: p.Arg237Pro; replaces arginine 237 with proline.
Molecular consequence: missense variant. On other transcripts: 3 prime UTR variant (2).
Genome position (GRCh38, 1-based): chr12:122,208,391, C>G on the plus strand (G>C on the coding strand, the complement: DIABLO is on the minus strand). VCF-style: chr12-122208391-C-G. GRCh37 (hg19) VCF-style: chr12-122692938-C-G.
Other names: c.419G>C, p.Arg140Pro (NM_001278302.1); c.491G>C, p.Arg164Pro (NM_001278303.1); c.551G>C, p.Arg184Pro (NM_001278304.2, NM_138930.3); c.578G>C, p.Arg193Pro (NM_001278342.1); c.710G>C, p.Arg237Pro (NM_019887.6); c.*1003C>G (NM_001330492.2, NM_030765.4); short protein forms R193P, R164P, R184P, R237P, R140P.
Identifiers: ClinVar variation 3082352 (VCV003082352.3), dbSNP rs551079634, ClinGen allele CA387040727.

ClinVar aggregate classification (germline): Uncertain significance. Review status: criteria provided, multiple submitters, no conflicts (2 of 4 stars). 2 submissions from 2 submitters: Uncertain significance (2). Last evaluated 2024-02-19.

gnomAD v4.1: 2 of 1,612,434 alleles (0.00012%); highest among the groups gnomAD compares: East Asian, 0.0045%; no homozygotes.

Submissions (2):

Labcorp Genetics (formerly Invitae), Labcorp
Classification: Uncertain significance. Last evaluated: 2024-02-19. Review status: criteria provided, single submitter. Criteria: Invitae Variant Classification Sherloc (09022015). Collection method: clinical testing. Allele origin: germline.
Comment: This sequence change replaces arginine, which is basic and polar, with proline, which is neutral and non-polar, at codon 237 of the DIABLO protein (p.Arg237Pro). This variant is not present in population databases (gnomAD no frequency). This variant has not been reported in the literature in individuals affected with DIABLO-related conditions. An algorithm developed to predict the effect of missense changes on protein structure and function (PolyPhen-2) suggests that this variant is likely to be disruptive. In summary, the available evidence is currently insufficient to determine the role of this variant in disease. Therefore, it has been classified as a Variant of Uncertain Significance.

Ambry Genetics
Classification: Uncertain significance. Last evaluated: 2024-01-30. Review status: criteria provided, single submitter. Criteria: Ambry Variant Classification Scheme 2023. Collection method: clinical testing. Allele origin: germline.